The following is an entry in ClinVar:

ClinVar aggregate classification (germline): Uncertain significance (1 of 4 stars; one submission).

Submission:

GeneDx
Classification: Uncertain significance. Last evaluated: 2022-03-28. Review status: criteria provided, single submitter. Criteria: GeneDx Variant Classification Process June 2021. Collection method: clinical testing. Allele origin: germline. Affected: yes.
Comment: Not observed at significant frequency in large population cohorts (gnomAD); In silico analysis supports that this missense variant does not alter protein structure/function; Has not been previously published as pathogenic or benign to our knowledge; This variant is associated with the following publications: (PMID: 31554319, 9590290, 21520338)

NM_005422.4(TECTA):c.4681A>T (p.Thr1561Ser)

Genes: TBCEL-TECTA (TBCEL-TECTA readthrough; plus strand), TECTA (tectorin alpha; plus strand). Cytogenetic location: 11q23.3.
Variant type: single nucleotide variant.
Coding change: c.4681A>T on transcript NM_005422.4 (MANE Select); coding-DNA position 4681, A replaced by T.
Protein change: p.Thr1561Ser; replaces threonine 1561 with serine.
Molecular consequence: missense variant.
Genome position (GRCh38, 1-based): chr11:121,158,216, A>T. VCF-style: chr11-121158216-A-T. GRCh37 (hg19) VCF-style: chr11-121028925-A-T.
Other names: c.5638A>T, p.Thr1880Ser (NM_001378761.1); short protein forms T1561S, T1880S.
Identifiers: ClinVar variation 1707917 (VCV001707917.2), dbSNP rs774046945, ClinGen allele CA383027991.